The following is an entry in ClinVar:

ClinVar aggregate classification (germline): Pathogenic. Review status: criteria provided, multiple submitters, no conflicts (2 of 4 stars). 2 submissions from 2 submitters: Pathogenic (2). Last evaluated 2026-05-04.

Conditions:
Wiedemann-Steiner syndrome (WDSTS). Also called: Growth deficiency and mental retardation with facial dysmorphism. Identifiers: Orphanet 319182, MedGen C1854630, MONDO:0011518, OMIM 605130.

Submissions (2):

Institute of Human Genetics, University of Leipzig Medical Center
Classification: Pathogenic for Wiedemann-Steiner syndrome. Last evaluated: 2026-05-04. Review status: criteria provided, single submitter. Criteria: ACMG Guidelines, 2015. Collection method: clinical testing. Allele origin: unknown. Inheritance: Autosomal dominant inheritance. Affected: yes.
Comment: Criteria applied: PVS1,PS4_MOD,PM2

GeneDx
Classification: Pathogenic. Last evaluated: 2018-02-18. Review status: criteria provided, single submitter. Criteria: GeneDx Variant Classification (06012015). Collection method: clinical testing. Allele origin: germline. Affected: yes.
Comment: The c.4012+1G>C variant in the KMT2A gene has not been reported previously as a pathogenic variant nor as a benign variant, to our knowledge. This splice site variant destroys the canonical splice donor site in intron 7. It is predicted to cause abnormal gene splicing, either leading to an abnormal message that is subject to nonsense-mediated mRNA decay, or to an abnormal protein product if the message is used for protein translation. The c.4012+1G>C variant is not observed in large population cohorts (Lek et al., 2016). We interpret c.4012+1G>C as a pathogenic variant.

NM_001197104.2(KMT2A):c.4012+1G>C

Gene: KMT2A (lysine methyltransferase 2A; plus strand). Cytogenetic location: 11q23.3.
Variant type: single nucleotide variant.
Coding change: c.4012+1G>C on transcript NM_001197104.2 (MANE Select); the canonical splice donor site of the intron after coding-DNA position 4012, G replaced by C.
Molecular consequence: splice donor variant.
Genome position (GRCh38, 1-based): chr11:118,482,093, G>C. VCF-style: chr11-118482093-G-C. GRCh37 (hg19) VCF-style: chr11-118352808-G-C.
Other names: c.4111+1G>C (NM_001412597.1); c.4012+1G>C (NM_005933.4).
Identifiers: ClinVar variation 504299 (VCV000504299.3), dbSNP rs1555039476, ClinGen allele CA382828720.